The following is an entry in ClinVar:

NM_000183.3(HADHB):c.811+2T>G

Gene: HADHB (hydroxyacyl-CoA dehydrogenase trifunctional multienzyme complex subunit beta; plus strand). Cytogenetic location: 2p23.3.
Variant type: single nucleotide variant.
Coding change: c.811+2T>G on transcript NM_000183.3 (MANE Select); the canonical splice donor site of the intron after coding-DNA position 811, T replaced by G.
Molecular consequence: splice donor variant.
Genome position (GRCh38, 1-based): chr2:26,279,317, T>G. VCF-style: chr2-26279317-T-G. GRCh37 (hg19) VCF-style: chr2-26502185-T-G.
Other names: c.745+2T>G (NM_001281513.2); c.766+2T>G (NM_001281512.2).
Identifiers: ClinVar variation 2878925 (VCV002878925.3), dbSNP rs1672691264, ClinGen allele CA346093502.

ClinVar aggregate classification (germline): Likely pathogenic (1 of 4 stars; one submission).

Conditions:
Mitochondrial trifunctional protein deficiency. Identifiers: Orphanet 746, MedGen C1969443, MONDO:0012172.

Allele frequency attached by ClinVar (database versions not stated): gnomAD exomes below 0.00001.
gnomAD v4.1: 2 of 1,593,634 alleles (0.00013%); highest among the groups gnomAD compares: South Asian, 0.0011%; no homozygotes.

Submission:

Labcorp Genetics (formerly Invitae), Labcorp
Classification: Likely pathogenic for Mitochondrial trifunctional protein deficiency. Last evaluated: 2022-11-25. Review status: criteria provided, single submitter. Criteria: Invitae Variant Classification Sherloc (09022015). Collection method: clinical testing. Allele origin: germline.
Comment: This sequence change affects a donor splice site in intron 9 of the HADHB gene. It is expected to disrupt RNA splicing. Variants that disrupt the donor or acceptor splice site typically lead to a loss of protein function (PMID: 16199547), and loss-of-function variants in HADHB are known to be pathogenic (PMID: 9259266, 12754706). This variant is not present in population databases (gnomAD no frequency). This variant has not been reported in the literature in individuals affected with HADHB-related conditions. Algorithms developed to predict the effect of sequence changes on RNA splicing suggest that this variant may disrupt the consensus splice site. In summary, the currently available evidence indicates that the variant is pathogenic, but additional data are needed to prove that conclusively. Therefore, this variant has been classified as Likely Pathogenic.

Literature cited by the submitters: PubMed 16199547; PubMed 9259266; PubMed 12754706.